The following is an entry in ClinVar:

ClinVar aggregate classification (germline): Uncertain significance. Review status: criteria provided, multiple submitters, no conflicts (2 of 4 stars). 3 submissions from 3 submitters: Uncertain significance (3). Last evaluated 2026-07-29.

Conditions:
SAG-related disorder. Also called: SAG-related condition; SAG-related disorders.

Allele frequency attached by ClinVar (database versions not stated): ExAC 0.00003; gnomAD exomes 0.00005; gnomAD 0.00009; ESP Exome Variant Server 0.00016; TOPMed 0.00010.
gnomAD v4.1: 250 of 1,613,812 alleles (0.015%); highest among the groups gnomAD compares: Non-Finnish European, 0.019%; 1 homozygote.

Submissions (3):

PreventionGenetics, part of Exact Sciences
Classification: Uncertain significance for SAG-related condition. Last evaluated: 2026-07-29. Review status: criteria provided, single submitter. Criteria: ACMG Guidelines, 2015. Collection method: clinical testing. Allele origin: germline.
Comment: The SAG c.1007A>G variant is predicted to result in the amino acid substitution p.Lys336Arg. To our knowledge, this variant has not been reported in the literature. This variant is predicted to alter splicing based on available splicing prediction programs (SpliceAI, Jaganathan et al. 2019. PubMed ID: 30661751). However, the use of computer prediction programs is not equivalent to functional evidence. This variant is reported in 0.0093% of alleles in individuals of European (Non-Finnish) descent in gnomAD. At this time, the clinical significance of this variant is uncertain due to the absence of conclusive functional and genetic evidence.

Labcorp Genetics (formerly Invitae), Labcorp
Classification: Uncertain significance. Last evaluated: 2026-01-26. Review status: criteria provided, single submitter. Criteria: Invitae Variant Classification Sherloc (09022015). Collection method: clinical testing. Allele origin: germline.
Comment: This sequence change replaces lysine, which is basic and polar, with arginine, which is basic and polar, at codon 336 of the SAG protein (p.Lys336Arg). This variant is present in population databases (rs373805564, gnomAD 0.009%). This variant has not been reported in the literature in individuals affected with SAG-related conditions. ClinVar contains an entry for this variant (Variation ID: 969116). Invitae Evidence Modeling of protein sequence and biophysical properties (such as structural, functional, and spatial information, amino acid conservation, physicochemical variation, residue mobility, and thermodynamic stability) indicates that this missense variant is not expected to disrupt SAG protein function with a negative predictive value of 80%. Algorithms developed to predict the effect of sequence changes on RNA splicing suggest that this variant may disrupt the consensus splice site. In summary, the available evidence is currently insufficient to determine the role of this variant in disease. Therefore, it has been classified as a Variant of Uncertain Significance.

Blueprint Genetics
Classification: Uncertain significance. Last evaluated: 2024-10-04. Review status: criteria provided, single submitter. Criteria: ACMG Guidelines, 2015. Collection method: clinical testing. Allele origin: germline.

NM_000541.5(SAG):c.1007A>G (p.Lys336Arg)

Gene: SAG (S-antigen visual arrestin; plus strand). Cytogenetic location: 2q37.1.
Variant type: single nucleotide variant.
Coding change: c.1007A>G on transcript NM_000541.5 (MANE Select); coding-DNA position 1007, A replaced by G.
Protein change: p.Lys336Arg; replaces lysine 336 with arginine.
Molecular consequence: missense variant.
Genome position (GRCh38, 1-based): chr2:233,338,738, A>G. VCF-style: chr2-233338738-A-G. GRCh37 (hg19) VCF-style: chr2-234247384-A-G.
Other names: short protein forms K336R.
Identifiers: ClinVar variation 969116 (VCV000969116.12), dbSNP rs373805564, ClinGen allele CA2174606.